The following is an entry in ClinVar:

NM_022829.6(SLC13A3):c.1408C>T (p.Leu470Phe)

Gene: SLC13A3 (solute carrier family 13 member 3; minus strand). Cytogenetic location: 20q13.12.
Variant type: single nucleotide variant.
Coding change: c.1408C>T on transcript NM_022829.6 (MANE Select); coding-DNA position 1408, C replaced by T.
Protein change: p.Leu470Phe; replaces leucine 470 with phenylalanine.
Molecular consequence: missense variant.
Genome position (GRCh38, 1-based): chr20:46,566,315, G>A on the plus strand (C>T on the coding strand, the complement: SLC13A3 is on the minus strand). VCF-style: chr20-46566315-G-A. GRCh37 (hg19) VCF-style: chr20-45194954-G-A.
Other names: c.1267C>T, p.Leu423Phe (NM_001011554.3); c.1258C>T, p.Leu420Phe (NM_001193339.2); c.1162C>T, p.Leu388Phe (NM_001193340.2); c.1114C>T, p.Leu372Phe (NM_001193342.2); short protein forms L470F, L420F, L423F, L372F, L388F.
Identifiers: ClinVar variation 1976396 (VCV001976396.5), dbSNP rs2516544430, ClinGen allele CA409258316.

ClinVar aggregate classification (germline): Uncertain significance (1 of 4 stars; one submission).

Submission:

Labcorp Genetics (formerly Invitae), Labcorp
Classification: Uncertain significance. Last evaluated: 2022-05-07. Review status: criteria provided, single submitter. Criteria: Invitae Variant Classification Sherloc (09022015). Collection method: clinical testing. Allele origin: germline.
Comment: This variant is not present in population databases (gnomAD no frequency). This sequence change replaces leucine, which is neutral and non-polar, with phenylalanine, which is neutral and non-polar, at codon 470 of the SLC13A3 protein (p.Leu470Phe). This variant has not been reported in the literature in individuals affected with SLC13A3-related conditions. In summary, the available evidence is currently insufficient to determine the role of this variant in disease. Therefore, it has been classified as a Variant of Uncertain Significance. Algorithms developed to predict the effect of missense changes on protein structure and function are either unavailable or do not agree on the potential impact of this missense change (SIFT: "Deleterious"; PolyPhen-2: "Benign"; Align-GVGD: "Class C0").